The following is an entry in ClinVar:

NM_000400.4(ERCC2):c.1404dup (p.Lys469fs)

Gene: ERCC2 (ERCC excision repair 2, TFIIH core complex helicase subunit; minus strand). Cytogenetic location: 19q13.32.
Variant type: Duplication.
Coding change: c.1404dup on transcript NM_000400.4 (MANE Select); coding-DNA position 1404, one base duplicated (C; older notation c.1404dupC).
Protein change: p.Lys469fs; shifts the reading frame from lysine 469.
Molecular consequence: frameshift variant.
Genome position (GRCh38, 1-based): chr19:45,357,345, G duplicated on the plus strand (C on the coding strand, the reverse complement: ERCC2 is on the minus strand); the first of 4 consecutive G bases (chr19:45,357,345-45,357,348); duplicating any one gives the same sequence. VCF-style (leftmost placement, unchanged base first): chr19-45357344-T-TG. GRCh37 (hg19) VCF-style: chr19-45860602-T-TG.
Other names: short protein forms K469fs.
Identifiers: ClinVar variation 2957045 (VCV002957045.3), dbSNP rs2514012560, ClinGen allele CA2740096933.

ClinVar aggregate classification (germline): Pathogenic (1 of 4 stars; one submission).

Submission:

Labcorp Genetics (formerly Invitae), Labcorp
Classification: Pathogenic. Last evaluated: 2023-11-16. Review status: criteria provided, single submitter. Criteria: Invitae Variant Classification Sherloc (09022015). Collection method: clinical testing. Allele origin: germline.
Comment: This sequence change creates a premature translational stop signal (p.Lys469Glnfs*32) in the ERCC2 gene. It is expected to result in an absent or disrupted protein product. Loss-of-function variants in ERCC2 are known to be pathogenic (PMID: 9238033, 11335038, 19085937, 19934020). This variant is not present in population databases (gnomAD no frequency). This variant has not been reported in the literature in individuals affected with ERCC2-related conditions. For these reasons, this variant has been classified as Pathogenic.

Literature cited by the submitters: PubMed 9238033; PubMed 11335038; PubMed 19085937; PubMed 19934020.